The following is an entry in ClinVar:

NM_001395010.1(DAB2IP):c.363-19312G>A

Gene: DAB2IP (DAB2 interacting protein; plus strand). Cytogenetic location: 9q33.2.
Variant type: single nucleotide variant.
Coding change: c.363-19312G>A on transcript NM_001395010.1 (MANE Select); 19312 bases into the intron before coding-DNA position 363, G replaced by A.
Molecular consequence: intron variant.
Genome position (GRCh38, 1-based): chr9:121,737,701, G>A. VCF-style: chr9-121737701-G-A. GRCh37 (hg19) VCF-style: chr9-124499980-G-A.
Other names: c.279-19312G>A (NM_032552.4).
Identifiers: ClinVar variation 2659479 (VCV002659479.24), dbSNP rs145251128, ClinGen allele CA200091408.
Genomic context (GRCh38, chr9:121,737,701, plus strand): 5'-TCTGGCTCCAGAGCCTCGGGGGTTGCAAGTGCCCAGAACCAGGTCAGCAGAGAGGCCTGC[G>A]CTCCCACCACAAAGGTCTGTTTGAAGTCCTGTGGGAGGGAGGACAGACACCACAAGGAAA-3'

ClinVar aggregate classification (germline): Likely benign (1 of 4 stars; one submission).

Allele frequency attached by ClinVar (database versions not stated): 1000 Genomes Project 30x 0.00094; 1000 Genomes Project 0.00100; gnomAD 0.00317.
gnomAD v4.1: 3,299 of 985,438 alleles (0.33%); highest among the groups gnomAD compares: South Asian, 0.36%; 13 homozygotes.

Submission:

CeGaT Center for Human Genetics Tuebingen
Classification: Likely benign. Last evaluated: 2024-03-01. Review status: criteria provided, single submitter. Criteria: CeGaT Center For Human Genetics Tuebingen Variant Classification Criteria Version 2. Collection method: clinical testing. Allele origin: germline. Affected: yes. Observed: 2 variant alleles.
Comment: DAB2IP: BP4, BP7